The following is an entry in ClinVar:

NM_025099.6(CTC1):c.371_372dup (p.Glu125fs)

Gene: CTC1 (CST telomere replication complex component 1; minus strand). Cytogenetic location: 17p13.1.
Variant type: Duplication.
Coding change: c.371_372dup on transcript NM_025099.6 (MANE Select); coding-DNA positions 371 to 372, 2 bases duplicated (TG; older notation c.371_372dupTG).
Protein change: p.Glu125fs; shifts the reading frame from glutamic acid 125.
Molecular consequence: frameshift variant. On other transcripts: non-coding transcript variant (1).
Genome position (GRCh38, 1-based): chr17:8,238,455-8,238,456, CA duplicated on the plus strand (TG on the coding strand, the reverse complement: CTC1 is on the minus strand). VCF-style (leftmost placement, unchanged base first): chr17-8238454-C-CCA. GRCh37 (hg19) VCF-style: chr17-8141772-C-CCA.
Other names: c.371_372dup, p.Glu125fs (NM_001411067.1); short protein forms E125fs.
Identifiers: ClinVar variation 2582454 (VCV002582454.3), dbSNP rs778525768, ClinGen allele CA8372644.
Genomic context (GRCh38, chr17:8,238,454, plus strand): 5'-CACAGCTCAGGACGCCAGTGTTATCTCTCACATAGAGGCTTCCGTTCCTGCACTCTTGTT[C>CCA]CAAGTCTGCCGATAGGTCTGTTAGTGTCCCTAAAAGTAACAGCTGCTCTCGGGGCAGGGG-3'

ClinVar aggregate classification (germline): Pathogenic/Likely pathogenic. Review status: criteria provided, multiple submitters, no conflicts (2 of 4 stars). 3 submissions from 3 submitters: Pathogenic (2); Likely pathogenic (1). Last evaluated 2024-01-01.

Conditions:
Cerebroretinal microangiopathy with calcifications and cysts 1 (CRMCC1). Identifiers: Orphanet 313838, MedGen C4552029, MONDO:0024564, OMIM 612199.
CTC1-related disorder. Also called: CTC1-related condition.

Allele frequency attached by ClinVar (database versions not stated): gnomAD exomes 0.00001; ExAC 0.00002.

Submissions (3):

Daryl Scott Lab, Baylor College of Medicine
Classification: Pathogenic for Cerebroretinal microangiopathy with calcifications and cysts 1. Last evaluated: 2024-01-01. Review status: criteria provided, single submitter. Criteria: ACMG Guidelines, 2015. Collection method: clinical testing. Allele origin: paternal. Observed: 1 heterozygote.
Comment: PVS1

Baylor Genetics
Classification: Pathogenic for Cerebroretinal microangiopathy with calcifications and cysts 1. Last evaluated: 2023-03-07. Review status: criteria provided, single submitter. Criteria: ACMG Guidelines, 2015. Collection method: clinical testing. Allele origin: unknown.

Blueprint Genetics
Classification: Likely pathogenic for CTC1-related disorders. Last evaluated: 2020-01-17. Review status: criteria provided, single submitter. Criteria: ACMG Guidelines, 2015. Collection method: clinical testing. Allele origin: germline. Affected: yes. Observed: 1 variant allele.